The following is an entry in ClinVar:

NM_001308210.2(TSHZ1):c.1082C>A (p.Pro361His)

Gene: TSHZ1 (teashirt zinc finger homeobox 1; plus strand). Cytogenetic location: 18q22.3.
Variant type: single nucleotide variant.
Coding change: c.1082C>A on transcript NM_001308210.2 (MANE Select); coding-DNA position 1082, C replaced by A.
Protein change: p.Pro361His; replaces proline 361 with histidine.
Molecular consequence: missense variant.
Genome position (GRCh38, 1-based): chr18:75,286,489, C>A. VCF-style: chr18-75286489-C-A. GRCh37 (hg19) VCF-style: chr18-72998444-C-A.
Other names: c.947C>A, p.Pro316His (NM_005786.6); short protein forms P316H, P361H.
Identifiers: ClinVar variation 4983359 (VCV004983359.1).

ClinVar aggregate classification (germline): Likely benign (1 of 4 stars; one submission).

Conditions:
TSHZ1-related disorder. Also called: TSHZ1-related condition.

gnomAD v4.1: 76 of 1,614,104 alleles (0.0047%); highest among the groups gnomAD compares: Admixed American, 0.12%; no homozygotes.

Submission:

PreventionGenetics, part of Exact Sciences
Classification: Likely benign for TSHZ1-related condition. Last evaluated: 2025-04-09. Review status: criteria provided, single submitter. Criteria: ACMG Guidelines, 2015. Collection method: clinical testing. Allele origin: germline.
Comment: This variant is classified as likely benign based on ACMG/AMP sequence variant interpretation guidelines (Richards et al. 2015 PMID: 25741868, with internal and published modifications).